The following is an entry in ClinVar:

ClinVar aggregate classification (germline): Uncertain significance (1 of 4 stars; one submission).

Submission:

GeneDx
Classification: Uncertain significance. Last evaluated: 2023-03-10. Review status: criteria provided, single submitter. Criteria: GeneDx Variant Classification Process June 2021. Collection method: clinical testing. Allele origin: germline. Affected: yes.
Comment: Not observed at significant frequency in large population cohorts (gnomAD); In silico analysis supports that this missense variant does not alter protein structure/function; Has not been previously published as pathogenic or benign to our knowledge

NM_004380.3(CREBBP):c.6748A>C (p.Met2250Leu)

Gene: CREBBP (CREB binding protein; minus strand). Cytogenetic location: 16p13.3.
Variant type: single nucleotide variant.
Coding change: c.6748A>C on transcript NM_004380.3 (MANE Select); coding-DNA position 6748, A replaced by C.
Protein change: p.Met2250Leu; replaces methionine 2250 with leucine.
Molecular consequence: missense variant.
Genome position (GRCh38, 1-based): chr16:3,728,299, T>G on the plus strand (A>C on the coding strand, the complement: CREBBP is on the minus strand). VCF-style: chr16-3728299-T-G. GRCh37 (hg19) VCF-style: chr16-3778300-T-G.
Other names: c.6634A>C, p.Met2212Leu (NM_001079846.1); short protein forms M2212L, M2250L.
Identifiers: ClinVar variation 2446544 (VCV002446544.1), dbSNP rs1376163722, ClinGen allele CA394551992.